The following is an entry in ClinVar:

NM_001012720.2(RGR):c.556G>A (p.Ala186Thr)

Gene: RGR (retinal G protein coupled receptor; plus strand). Cytogenetic location: 10q23.1.
Variant type: single nucleotide variant.
Coding change: c.556G>A on transcript NM_001012720.2 (MANE Select); coding-DNA position 556, G replaced by A.
Protein change: p.Ala186Thr; replaces alanine 186 with threonine.
Molecular consequence: missense variant.
Genome position (GRCh38, 1-based): chr10:84,254,369, G>A. VCF-style: chr10-84254369-G-A. GRCh37 (hg19) VCF-style: chr10-86014125-G-A.
Other names: c.556G>A, p.Ala186Thr (NM_001012722.2); c.568G>A, p.Ala190Thr (NM_002921.4); c.556G>A (NM_001012720.1); short protein forms A190T, A186T.
Identifiers: ClinVar variation 1037311 (VCV001037311.9), dbSNP rs1476804289, ClinGen allele CA377391873.

ClinVar aggregate classification (germline): Uncertain significance. Review status: criteria provided, multiple submitters, no conflicts (2 of 4 stars). 2 submissions from 2 submitters: Uncertain significance (2). Last evaluated 2024-01-29.

Allele frequency attached by ClinVar (database versions not stated): gnomAD exomes below 0.00001; gnomAD 0.00001 and 0.00002; TOPMed 0.00001.
gnomAD v4.1: 10 of 1,614,062 alleles (0.00062%); highest among the groups gnomAD compares: African/African-American, 0.004%; no homozygotes.

Submissions (2):

Ambry Genetics
Classification: Uncertain significance. Last evaluated: 2024-01-29. Review status: criteria provided, single submitter. Criteria: Ambry Variant Classification Scheme 2023. Collection method: clinical testing. Allele origin: germline.

Labcorp Genetics (formerly Invitae), Labcorp
Classification: Uncertain significance. Last evaluated: 2022-01-06. Review status: criteria provided, single submitter. Criteria: Invitae Variant Classification Sherloc (09022015). Collection method: clinical testing. Allele origin: germline.
Comment: In summary, the available evidence is currently insufficient to determine the role of this variant in disease. Therefore, it has been classified as a Variant of Uncertain Significance. Algorithms developed to predict the effect of missense changes on protein structure and function are either unavailable or do not agree on the potential impact of this missense change (SIFT: "Tolerated"; PolyPhen-2: "Not Available"; Align-GVGD: "Class C0"). ClinVar contains an entry for this variant (Variation ID: 1037311). This sequence change replaces alanine, which is neutral and non-polar, with threonine, which is neutral and polar, at codon 186 of the RGR protein (p.Ala186Thr). This variant is present in population databases (no rsID available, gnomAD 0.004%). This variant has not been reported in the literature in individuals affected with RGR-related conditions.